The following is an entry in ClinVar:

ClinVar aggregate classification (germline): Benign/Likely benign. Review status: criteria provided, multiple submitters, no conflicts (2 of 4 stars). 3 submissions from 3 submitters: Benign (1); Likely benign (2). Last evaluated 2025-09-11.

Conditions:
Fanconi anemia complementation group J. Also called: BRIP1-Related Fanconi Anemia. Identifiers: Orphanet 84, MedGen C1836860, MONDO:0012187, OMIM 609054.
Familial cancer of breast. Also called: BREAST CANCER, FAMILIAL; Hereditary breast cancer; hereditary breast carcinoma. Identifiers: Orphanet 227535, MedGen C0346153, MONDO:0016419, OMIM 114480. Disease mechanism: loss of function.
Hereditary cancer-predisposing syndrome. Also called: Neoplastic Syndromes, Hereditary; Tumor predisposition; Hereditary Cancer Syndrome; Hereditary neoplastic syndrome. Identifiers: Orphanet 140162, MedGen C0027672, MeSH D009386, MONDO:0015356.

Submissions (3):

Labcorp Genetics (formerly Invitae), Labcorp
Classification: Likely benign for Familial cancer of breast; Fanconi anemia complementation group J. Last evaluated: 2025-09-11. Review status: criteria provided, single submitter. Criteria: Invitae Variant Classification Sherloc (09022015). Collection method: clinical testing. Allele origin: germline.

Myriad Genetics, Inc.
Classification: Benign for Familial cancer of breast. Last evaluated: 2024-09-03. Review status: criteria provided, single submitter. Criteria: Myriad Autosomal Dominant, Autosomal Recessive and X-Linked Classification Criteria (2023). Collection method: clinical testing. Allele origin: unknown.
Comment: This variant is considered benign. This variant is a silent/synonymous amino acid change and it is not expected to impact splicing.

Ambry Genetics
Classification: Likely benign for Hereditary cancer-predisposing syndrome. Last evaluated: 2023-10-29. Review status: criteria provided, single submitter. Criteria: Ambry Variant Classification Scheme 2023. Collection method: clinical testing. Allele origin: germline.

NM_032043.3(BRIP1):c.2130T>G (p.Ser710=)

Gene: BRIP1 (BRCA1 interacting DNA helicase 1; minus strand). Cytogenetic location: 17q23.2.
Variant type: single nucleotide variant.
Coding change: c.2130T>G on transcript NM_032043.3 (MANE Select); coding-DNA position 2130, T replaced by G.
Protein change: p.Ser710=; no amino-acid change (serine 710 retained).
Molecular consequence: synonymous variant.
Genome position (GRCh38, 1-based): chr17:61,744,559, A>C on the plus strand (T>G on the coding strand, the complement: BRIP1 is on the minus strand). VCF-style: chr17-61744559-A-C. GRCh37 (hg19) VCF-style: chr17-59821920-A-C.
Identifiers: ClinVar variation 2933941 (VCV002933941.5), dbSNP rs1555591497, ClinGen allele CA501151365.